The following is an entry in ClinVar:

NM_000038.6(APC):c.1834G>A (p.Ala612Thr)

Gene: APC (APC regulator of Wnt signaling pathway; plus strand). Cytogenetic location: 5q22.2.
Variant type: single nucleotide variant.
Coding change: c.1834G>A on transcript NM_000038.6 (MANE Select); coding-DNA position 1834, G replaced by A.
Protein change: p.Ala612Thr; replaces alanine 612 with threonine.
Molecular consequence: missense variant. On other transcripts: non-coding transcript variant (2).
Genome position (GRCh38, 1-based): chr5:112,835,041, G>A. VCF-style: chr5-112835041-G-A. GRCh37 (hg19) VCF-style: chr5-112170738-G-A.
Other names: c.1834G>A, p.Ala612Thr (NM_001127510.3, NM_001354895.2, NM_001407450.1); c.1780G>A, p.Ala594Thr (NM_001127511.3); c.1888G>A, p.Ala630Thr (NM_001354896.2, NM_001407447.1, NM_001407448.1 and 1 more transcripts); c.1864G>A, p.Ala622Thr (NM_001354897.2); c.1759G>A, p.Ala587Thr (NM_001354898.2); c.1750G>A, p.Ala584Thr (NM_001354899.2); c.1711G>A, p.Ala571Thr (NM_001354900.2); c.1657G>A, p.Ala553Thr (NM_001354901.2, NM_001407453.1); and 11 more; short protein forms A228T, A329T, A452T, A483T, A486T, A511T, A521T, A529T.
Identifiers: ClinVar variation 3222165 (VCV003222165.3), dbSNP rs1038707565, ClinGen allele CA16025333.

ClinVar aggregate classification (germline): Uncertain significance. Review status: criteria provided, multiple submitters, no conflicts (2 of 4 stars). 3 submissions from 3 submitters: Uncertain significance (3). Last evaluated 2025-02-16.

Conditions:
Hereditary cancer-predisposing syndrome. Also called: Tumor predisposition; Hereditary Cancer Syndrome; Hereditary neoplastic syndrome; Neoplastic Syndromes, Hereditary. Identifiers: Orphanet 140162, MedGen C0027672, MeSH D009386, MONDO:0015356.
Familial adenomatous polyposis 1 (FAP1). Also called: FAMILIAL ADENOMATOUS POLYPOSIS 1, ATTENUATED; POLYPOSIS, ADENOMATOUS INTESTINAL. Identifiers: MedGen C2713442, MONDO:0021056, OMIM 175100. Disease mechanism: loss of function.

Allele frequency attached by ClinVar (database versions not stated): gnomAD exomes below 0.00001.
gnomAD v4.1: 1 of 1,614,112 alleles (0.000062%); highest among the groups gnomAD compares: Non-Finnish European, 0.000085%; no homozygotes.

Submissions (3):

Labcorp Genetics (formerly Invitae), Labcorp
Classification: Uncertain significance for Familial adenomatous polyposis 1. Last evaluated: 2025-02-16. Review status: criteria provided, single submitter. Criteria: Invitae Variant Classification Sherloc (09022015). Collection method: clinical testing. Allele origin: germline.
Comment: This sequence change replaces alanine, which is neutral and non-polar, with threonine, which is neutral and polar, at codon 612 of the APC protein (p.Ala612Thr). This variant is not present in population databases (gnomAD no frequency). This variant has not been reported in the literature in individuals affected with APC-related conditions. ClinVar contains an entry for this variant (Variation ID: 3222165). Invitae Evidence Modeling of protein sequence and biophysical properties (such as structural, functional, and spatial information, amino acid conservation, physicochemical variation, residue mobility, and thermodynamic stability) indicates that this missense variant is not expected to disrupt APC protein function with a negative predictive value of 95%. In summary, the available evidence is currently insufficient to determine the role of this variant in disease. Therefore, it has been classified as a Variant of Uncertain Significance.

Ambry Genetics
Classification: Uncertain significance for Hereditary cancer-predisposing syndrome. Last evaluated: 2023-11-24. Review status: criteria provided, single submitter. Criteria: Ambry Variant Classification Scheme 2023. Collection method: clinical testing. Allele origin: germline.
Comment: The p.A612T variant (also known as c.1834G>A), located in coding exon 14 of the APC gene, results from a G to A substitution at nucleotide position 1834. The alanine at codon 612 is replaced by threonine, an amino acid with similar properties. This amino acid position is conserved. In addition, in silico predictors for this gene do not accurately predict pathogenicity. Since supporting evidence is limited at this time, the clinical significance of this alteration remains unclear.

Blueprint Genetics
Classification: Uncertain significance. Last evaluated: 2022-05-25. Review status: criteria provided, single submitter. Criteria: ACMG Guidelines, 2015. Collection method: clinical testing. Allele origin: germline.